The following is an entry in ClinVar:

NM_001267550.2(TTN):c.52543C>A (p.His17515Asn)

Genes: TTN-AS1 (TTN antisense RNA 1; plus strand), TTN (titin; minus strand), LOC126806425 (BRD4-independent group 4 enhancer GRCh37_chr2:179471933-179473132; plus strand). Cytogenetic location: 2q31.2.
Variant type: single nucleotide variant.
Coding change: c.52543C>A on transcript NM_001267550.2 (MANE Select); coding-DNA position 52543, C replaced by A.
Protein change: p.His17515Asn; replaces histidine 17515 with asparagine.
Molecular consequence: missense variant.
Genome position (GRCh38, 1-based): chr2:178,608,340, G>T on the plus strand (C>A on the coding strand, the complement: TTN is on the minus strand). VCF-style: chr2-178608340-G-T. GRCh37 (hg19) VCF-style: chr2-179473067-G-T.
Other names: c.47620C>A, p.His15874Asn (NM_001256850.1); c.25348C>A, p.His8450Asn (NM_003319.4); c.44839C>A, p.His14947Asn (NM_133378.4); c.25723C>A, p.His8575Asn (NM_133432.3); c.25924C>A, p.His8642Asn (NM_133437.4); short protein forms H14947N, H15874N, H17515N, H8450N, H8575N, H8642N.
Identifiers: ClinVar variation 1212759 (VCV001212759.3), dbSNP rs1576373600, ClinGen allele CA349573024.
Genomic context (GRCh38, chr2:178,608,340, plus strand): 5'-ATAAGCCATCTACATTGGCTTTCAAGGCATTCAGAAGGCTTTTGTTGACACGAGACCAAT[G>T]TGTACTGTTAACTTCACGTTTTTCAAGCCAGTAACCCAAAATGGGGCTTCCATTATCTTT-3'
Protein context (NP_001254479.2, residues 17505-17525): WLEKREVNST[His17515Asn]WSRVNKSLLN

ClinVar aggregate classification (germline): Uncertain significance (1 of 4 stars; one submission).

Allele frequency attached by ClinVar (database versions not stated): gnomAD 0.00001.
gnomAD v4.1: 7 of 1,612,230 alleles (0.00043%); highest among the groups gnomAD compares: South Asian, 0.0077%; no homozygotes.

Submission:

GeneDx
Classification: Uncertain significance. Last evaluated: 2021-04-12. Review status: criteria provided, single submitter. Criteria: GeneDx Variant Classification Process June 2021. Collection method: clinical testing. Allele origin: germline. Affected: yes.
Comment: Not observed in large population cohorts (Lek et al., 2016); Missense variant in a gene in which most reported pathogenic variants are truncating/loss-of-function; Has not been previously published as pathogenic or benign to our knowledge